The following is an entry in ClinVar:

NM_032119.4(ADGRV1):c.1492G>A (p.Val498Met)

Gene: ADGRV1 (adhesion G protein-coupled receptor V1; plus strand). Cytogenetic location: 5q14.3.
Variant type: single nucleotide variant.
Coding change: c.1492G>A on transcript NM_032119.4 (MANE Select); coding-DNA position 1492, G replaced by A.
Protein change: p.Val498Met; replaces valine 498 with methionine.
Molecular consequence: missense variant. On other transcripts: non-coding transcript variant (1).
Genome position (GRCh38, 1-based): chr5:90,628,815, G>A. VCF-style: chr5-90628815-G-A. GRCh37 (hg19) VCF-style: chr5-89924632-G-A.
Other names: short protein forms V498M.
Identifiers: ClinVar variation 1932853 (VCV001932853.5), dbSNP rs1765131287, ClinGen allele CA360372822.
Genomic context (GRCh38, chr5:90,628,815, plus strand): 5'-GAAGAGGCAGAAGCTTATCTACTTCAAATTCTGCCTCATACAATACGAGGAGGTGCAGAA[G>A]TGAGCGAGCCAGCGGAGGTATAACCCTTGTTATGCTTTATGCTTGTTAATATTTCTGTGC-3'
Protein context (NP_115495.3, residues 488-508): LPHTIRGGAE[Val498Met]SEPAELLFYI

ClinVar aggregate classification (germline): Uncertain significance (1 of 4 stars; one submission).

Allele frequency attached by ClinVar (database versions not stated): gnomAD exomes below 0.00001; TOPMed below 0.00001.
gnomAD v4.1: 2 of 1,613,982 alleles (0.00012%); highest among the groups gnomAD compares: Non-Finnish European, 0.00017%; no homozygotes.

Submission:

Labcorp Genetics (formerly Invitae), Labcorp
Classification: Uncertain significance. Last evaluated: 2022-07-23. Review status: criteria provided, single submitter. Criteria: Invitae Variant Classification Sherloc (09022015). Collection method: clinical testing. Allele origin: germline.
Comment: This sequence change replaces valine, which is neutral and non-polar, with methionine, which is neutral and non-polar, at codon 498 of the ADGRV1 protein (p.Val498Met). This variant is not present in population databases (gnomAD no frequency). This variant has not been reported in the literature in individuals affected with ADGRV1-related conditions. Algorithms developed to predict the effect of missense changes on protein structure and function are either unavailable or do not agree on the potential impact of this missense change (SIFT: "Deleterious"; PolyPhen-2: "Possibly Damaging"; Align-GVGD: "Class C0"). In summary, the available evidence is currently insufficient to determine the role of this variant in disease. Therefore, it has been classified as a Variant of Uncertain Significance.